The following is an entry in ClinVar:

NM_024675.4(PALB2):c.1131A>G (p.Gln377=)

Gene: PALB2 (partner and localizer of BRCA2; minus strand). Cytogenetic location: 16p12.2.
Variant type: single nucleotide variant.
Coding change: c.1131A>G on transcript NM_024675.4 (MANE Select); coding-DNA position 1131, A replaced by G.
Protein change: p.Gln377=; no amino-acid change (glutamine 377 retained).
Molecular consequence: synonymous variant. On other transcripts: intron variant (3).
Genome position (GRCh38, 1-based): chr16:23,635,415, T>C on the plus strand (A>G on the coding strand, the complement: PALB2 is on the minus strand). VCF-style: chr16-23635415-T-C. GRCh37 (hg19) VCF-style: chr16-23646736-T-C.
Other names: c.1071A>G, p.Gln357= (NM_001407296.1); c.1131A>G, p.Gln377= (NM_001407297.1, NM_001407298.1, NM_001407299.1 and 3 more transcripts); c.246A>G, p.Gln82= (NM_001407304.1, NM_001407305.1, NM_001407306.1 and 5 more transcripts); c.48+5695A>G (NM_001407314.1); c.-104-4946A>G (NM_001407313.1, NM_001407312.1).
Identifiers: ClinVar variation 1954914 (VCV001954914.7), dbSNP rs2142425052, ClinGen allele CA494461976.

ClinVar aggregate classification (germline): Benign/Likely benign. Review status: criteria provided, multiple submitters, no conflicts (2 of 4 stars). 3 submissions from 3 submitters: Benign (1); Likely benign (2). Last evaluated 2025-02-02.

Conditions:
Hereditary cancer-predisposing syndrome. Also called: Hereditary neoplastic syndrome; Tumor predisposition; Hereditary Cancer Syndrome; Neoplastic Syndromes, Hereditary. Identifiers: Orphanet 140162, MedGen C0027672, MeSH D009386, MONDO:0015356.
Familial cancer of breast. Also called: BREAST CANCER, FAMILIAL; Hereditary breast cancer; hereditary breast carcinoma. Identifiers: Orphanet 227535, MedGen C0346153, MONDO:0016419, OMIM 114480. Disease mechanism: loss of function.

Submissions (3):

Ambry Genetics
Classification: Likely benign for Hereditary cancer-predisposing syndrome. Last evaluated: 2025-02-02. Review status: criteria provided, single submitter. Criteria: Ambry Variant Classification Scheme 2023. Collection method: clinical testing. Allele origin: germline.

Myriad Genetics, Inc.
Classification: Benign for Familial cancer of breast. Last evaluated: 2025-01-13. Review status: criteria provided, single submitter. Criteria: Myriad Autosomal Dominant, Autosomal Recessive and X-Linked Classification Criteria (2023). Collection method: clinical testing. Allele origin: unknown.
Comment: This variant is considered benign. This variant is a silent/synonymous amino acid change and it is not expected to impact splicing.

Labcorp Genetics (formerly Invitae), Labcorp
Classification: Likely benign for Familial cancer of breast. Last evaluated: 2024-02-02. Review status: criteria provided, single submitter. Criteria: Invitae Variant Classification Sherloc (09022015). Collection method: clinical testing. Allele origin: germline.